The following is an entry in ClinVar:

NM_130384.3(ATRIP):c.1268T>A (p.Val423Glu)

Genes: ATRIP (ATR interacting protein; plus strand), ATRIP-TREX1 (ATRIP-TREX1 readthrough; plus strand). Cytogenetic location: 3p21.31.
Variant type: single nucleotide variant.
Coding change: c.1268T>A on transcript NM_130384.3 (MANE Select); coding-DNA position 1268, T replaced by A.
Protein change: p.Val423Glu; replaces valine 423 with glutamic acid.
Molecular consequence: missense variant. On other transcripts: non-coding transcript variant (1).
Genome position (GRCh38, 1-based): chr3:48,460,322, T>A. VCF-style: chr3-48460322-T-A. GRCh37 (hg19) VCF-style: chr3-48501721-T-A.
Other names: c.887T>A, p.Val296Glu (NM_001271022.2); c.989T>A, p.Val330Glu (NM_001271023.2); c.1268T>A, p.Val423Glu (NM_032166.4); short protein forms V296E, V330E, V423E.
Identifiers: ClinVar variation 4644564 (VCV004644564.1).

ClinVar aggregate classification (germline): Uncertain significance (1 of 4 stars; one submission).

Submission:

Ambry Genetics
Classification: Uncertain significance. Last evaluated: 2025-10-30. Review status: criteria provided, single submitter. Criteria: Ambry Variant Classification Scheme 2023. Collection method: clinical testing. Allele origin: germline.
Comment: The p.V423E variant (also known as c.1268T>A), located in coding exon 8 of the ATRIP gene, results from a T to A substitution at nucleotide position 1268. The valine at codon 423 is replaced by glutamic acid, an amino acid with dissimilar properties. This amino acid position is conserved. In addition, this alteration is predicted to be deleterious by in silico analysis. Based on the available evidence, the clinical significance of this variant remains unclear.